The following is an entry in ClinVar:

NM_005157.6(ABL1):c.619G>A (p.Asp207Asn)

Gene: ABL1 (ABL proto-oncogene 1, non-receptor tyrosine kinase; plus strand). Cytogenetic location: 9q34.12.
Variant type: single nucleotide variant.
Coding change: c.619G>A on transcript NM_005157.6 (MANE Select); coding-DNA position 619, G replaced by A.
Protein change: p.Asp207Asn; replaces aspartic acid 207 with asparagine.
Molecular consequence: missense variant.
Genome position (GRCh38, 1-based): chr9:130,862,832, G>A. VCF-style: chr9-130862832-G-A. GRCh37 (hg19) VCF-style: chr9-133738219-G-A.
Other names: c.676G>A, p.Asp226Asn (NM_007313.3); short protein forms D207N, D226N.
Identifiers: ClinVar variation 1897728 (VCV001897728.5), dbSNP rs1831096815, ClinGen allele CA375262500.

ClinVar aggregate classification (germline): Uncertain significance (1 of 4 stars; one submission).

Allele frequency attached by ClinVar (database versions not stated): gnomAD exomes 0.00001; TOPMed 0.00001.
gnomAD v4.1: 5 of 1,613,964 alleles (0.00031%); highest among the groups gnomAD compares: African/African-American, 0.0013%; no homozygotes.

Submission:

Labcorp Genetics (formerly Invitae), Labcorp
Classification: Uncertain significance. Last evaluated: 2025-10-02. Review status: criteria provided, single submitter. Criteria: Invitae Variant Classification Sherloc (09022015). Collection method: clinical testing. Allele origin: germline.
Comment: This sequence change replaces aspartic acid, which is acidic and polar, with asparagine, which is neutral and polar, at codon 226 of the ABL1 protein (p.Asp226Asn). This variant is not present in population databases (gnomAD no frequency). This variant has not been reported in the literature in individuals affected with ABL1-related conditions. ClinVar contains an entry for this variant (Variation ID: 1897728). Invitae Evidence Modeling of protein sequence and biophysical properties (such as structural, functional, and spatial information, amino acid conservation, physicochemical variation, residue mobility, and thermodynamic stability) indicates that this missense variant is expected to disrupt ABL1 protein function with a positive predictive value of 80%. In summary, the available evidence is currently insufficient to determine the role of this variant in disease. Therefore, it has been classified as a Variant of Uncertain Significance.